The following is an entry in ClinVar:

NM_001100913.3(PACS2):c.713C>T (p.Ser238Leu)

Gene: PACS2 (phosphofurin acidic cluster sorting protein 2; plus strand). Cytogenetic location: 14q32.33.
Variant type: single nucleotide variant.
Coding change: c.713C>T on transcript NM_001100913.3 (MANE Select); coding-DNA position 713, C replaced by T.
Protein change: p.Ser238Leu; replaces serine 238 with leucine.
Molecular consequence: missense variant.
Genome position (GRCh38, 1-based): chr14:105,368,511, C>T. VCF-style: chr14-105368511-C-T. GRCh37 (hg19) VCF-style: chr14-105834848-C-T.
Other names: c.512C>T, p.Ser171Leu (NM_001243127.3); c.713C>T, p.Ser238Leu (NM_015197.4); short protein forms S171L, S238L.
Identifiers: ClinVar variation 1973269 (VCV001973269.5), dbSNP rs145923328, ClinGen allele CA7388516.

ClinVar aggregate classification (germline): Uncertain significance (1 of 4 stars; one submission).

Allele frequency attached by ClinVar (database versions not stated): gnomAD exomes 0.00001; ExAC 0.00003; ESP Exome Variant Server 0.00008.

Submission:

Labcorp Genetics (formerly Invitae), Labcorp
Classification: Uncertain significance. Last evaluated: 2025-08-17. Review status: criteria provided, single submitter. Criteria: Invitae Variant Classification Sherloc (09022015). Collection method: clinical testing. Allele origin: germline.
Comment: This sequence change replaces serine, which is neutral and polar, with leucine, which is neutral and non-polar, at codon 238 of the PACS2 protein (p.Ser238Leu). This variant is present in population databases (rs145923328, gnomAD 0.007%). This variant has not been reported in the literature in individuals affected with PACS2-related conditions. ClinVar contains an entry for this variant (Variation ID: 1973269). An algorithm developed to predict the effect of missense changes on protein structure and function (PolyPhen-2) suggests that this variant is likely to be tolerated. In summary, the available evidence is currently insufficient to determine the role of this variant in disease. Therefore, it has been classified as a Variant of Uncertain Significance.